The following is an entry in ClinVar:

NM_001458.5(FLNC):c.1260G>A (p.Arg420=)

Gene: FLNC (filamin C; plus strand). Cytogenetic location: 7q32.1.
Variant type: single nucleotide variant.
Coding change: c.1260G>A on transcript NM_001458.5 (MANE Select); coding-DNA position 1260, G replaced by A.
Protein change: p.Arg420=; no amino-acid change (arginine 420 retained).
Molecular consequence: synonymous variant.
Genome position (GRCh38, 1-based): chr7:128,838,652, G>A. VCF-style: chr7-128838652-G-A. GRCh37 (hg19) VCF-style: chr7-128478706-G-A.
Other names: c.1260G>A, p.Arg420= (NM_001127487.2).
Identifiers: ClinVar variation 706433 (VCV000706433.14), dbSNP rs759951101, ClinGen allele CA4474291.

ClinVar aggregate classification (germline): Likely benign. Review status: criteria provided, multiple submitters, no conflicts (2 of 4 stars). 3 submissions from 3 submitters: Likely benign (3). Last evaluated 2025-12-30.

Conditions:
FLNC-related disorder. Also called: FLNC-related disorders; FLNC-related condition.
Cardiovascular phenotype. Identifiers: MedGen CN230736.
Myofibrillar myopathy 5. Also called: Filaminopathy (type); FILAMINOPATHY, AUTOSOMAL DOMINANT. Identifiers: Orphanet 171445, MedGen C1836050, MONDO:0012289, OMIM 609524.
Distal myopathy with posterior leg and anterior hand involvement. Also called: WILLIAMS DISTAL MYOPATHY. Identifiers: Orphanet 63273, MedGen C3279722, MONDO:0013550, OMIM 614065.
Hypertrophic cardiomyopathy 26. Also called: Cardiomyopathy, familial hypertrophic, 26. Identifiers: Orphanet 75249, MedGen C4310749, MONDO:0014883, OMIM 617047.

Allele frequency attached by ClinVar (database versions not stated): gnomAD 0.00002; ExAC 0.00003; gnomAD exomes 0.00003 and 0.00004; TOPMed 0.00003.
gnomAD v4.1: 18 of 1,612,970 alleles (0.0011%); highest among the groups gnomAD compares: Admixed American, 0.027%; no homozygotes.

Submissions (3):

Labcorp Genetics (formerly Invitae), Labcorp
Classification: Likely benign for Distal myopathy with posterior leg and anterior hand involvement; Myofibrillar myopathy 5; Hypertrophic cardiomyopathy 26. Last evaluated: 2025-12-30. Review status: criteria provided, single submitter. Criteria: Invitae Variant Classification Sherloc (09022015). Collection method: clinical testing. Allele origin: germline.

PreventionGenetics, part of Exact Sciences
Classification: Likely benign for FLNC-related condition. Last evaluated: 2025-11-25. Review status: criteria provided, single submitter. Criteria: ACMG Guidelines, 2015. Collection method: clinical testing. Allele origin: germline.
Comment: This variant is classified as likely benign based on ACMG/AMP sequence variant interpretation guidelines (Richards et al. 2015 PMID: 25741868, with internal and published modifications).

Ambry Genetics
Classification: Likely benign for Cardiovascular phenotype. Last evaluated: 2022-03-04. Review status: criteria provided, single submitter. Criteria: Ambry Variant Classification Scheme 2023. Collection method: clinical testing. Allele origin: germline.